The following is an entry in ClinVar:

ClinVar aggregate classification (germline): Uncertain significance (1 of 4 stars; one submission).

Conditions:
Familial cancer of breast. Also called: hereditary breast carcinoma; BREAST CANCER, FAMILIAL; Hereditary breast cancer. Identifiers: Orphanet 227535, MedGen C0346153, MONDO:0016419, OMIM 114480. Disease mechanism: loss of function.

Submission:

Labcorp Genetics (formerly Invitae), Labcorp
Classification: Uncertain significance for Familial cancer of breast. Last evaluated: 2025-12-31. Review status: criteria provided, single submitter. Criteria: Invitae Variant Classification Sherloc (09022015). Collection method: clinical testing. Allele origin: germline.
Comment: This sequence change replaces alanine, which is neutral and non-polar, with serine, which is neutral and polar, at codon 530 of the CHEK2 protein (p.Ala530Ser). This variant is not present in population databases (gnomAD no frequency). This variant has not been reported in the literature in individuals affected with CHEK2-related conditions. An algorithm developed to predict the effect of missense changes on protein structure and function (PolyPhen-2) suggests that this variant is likely to be tolerated. In summary, the available evidence is currently insufficient to determine the role of this variant in disease. Therefore, it has been classified as a Variant of Uncertain Significance.

NM_007194.4(CHEK2):c.1588G>T (p.Ala530Ser)

Gene: CHEK2 (checkpoint kinase 2; minus strand). Cytogenetic location: 22q12.1.
Variant type: single nucleotide variant.
Coding change: c.1588G>T on transcript NM_007194.4 (MANE Select); coding-DNA position 1588, G replaced by T.
Protein change: p.Ala530Ser; replaces alanine 530 with serine.
Molecular consequence: missense variant.
Genome position (GRCh38, 1-based): chr22:28,687,941, C>A on the plus strand (G>T on the coding strand, the complement: CHEK2 is on the minus strand). VCF-style: chr22-28687941-C-A. GRCh37 (hg19) VCF-style: chr22-29083929-C-A.
Other names: c.1717G>T, p.Ala573Ser (NM_001005735.3); c.925G>T, p.Ala309Ser (NM_001257387.3, NM_001437942.1); c.1387G>T, p.Ala463Ser (NM_001349956.3); c.1681G>T, p.Ala561Ser (NM_001438293.1); c.1630G>T, p.Ala544Ser (NM_001438294.1); c.1594G>T, p.Ala532Ser (NM_001438295.1); c.1501G>T, p.Ala501Ser (NM_145862.3); short protein forms A463S, A573S, A530S, A561S, A501S, A544S, A309S, A532S.
Identifiers: ClinVar variation 4734518 (VCV004734518.1).